The following is an entry in ClinVar:

ClinVar aggregate classification (germline): Uncertain significance (1 of 4 stars; one submission).

Conditions:
Loeys-Dietz syndrome 2 (LDS2). Also called: AORTIC ANEURYSM, FAMILIAL THORACIC 3; TGFBR2-Related Loeys-Dietz Syndrome; Marfan Syndrome type 2; Marfan like connective tissue disorder; MFS 2; MARFAN SYNDROME, TYPE II. Identifiers: Orphanet 284973, Orphanet 558, MedGen C2674574, MONDO:0012427, OMIM 610168.

Allele frequency attached by ClinVar (database versions not stated): gnomAD exomes below 0.00001.
gnomAD v4.1: 2 of 1,614,092 alleles (0.00012%); highest among the groups gnomAD compares: Non-Finnish European, 0.00017%; no homozygotes.

Submission:

Labcorp Genetics (formerly Invitae), Labcorp
Classification: Uncertain significance for Loeys-Dietz syndrome 2. Last evaluated: 2024-02-17. Review status: criteria provided, single submitter. Criteria: Invitae Variant Classification Sherloc (09022015). Collection method: clinical testing. Allele origin: germline.
Comment: This sequence change replaces cysteine, which is neutral and slightly polar, with arginine, which is basic and polar, at codon 280 of the TMPO protein (p.Cys280Arg). This variant is not present in population databases (gnomAD no frequency). This variant has not been reported in the literature in individuals affected with TMPO-related conditions. ClinVar contains an entry for this variant (Variation ID: 940782). Advanced modeling of protein sequence and biophysical properties (such as structural, functional, and spatial information, amino acid conservation, physicochemical variation, residue mobility, and thermodynamic stability) performed at Invitae indicates that this missense variant is not expected to disrupt TMPO protein function with a negative predictive value of 80%. In summary, the available evidence is currently insufficient to determine the role of this variant in disease. Therefore, it has been classified as a Variant of Uncertain Significance.

NM_001032283.3(TMPO):c.565+1257T>C

Gene: TMPO (thymopoietin; plus strand). Cytogenetic location: 12q23.1.
Variant type: single nucleotide variant.
Coding change: c.565+1257T>C on transcript NM_001032283.3 (MANE Select); 1257 bases into the intron after coding-DNA position 565, T replaced by C.
Molecular consequence: intron variant. On other transcripts: missense variant (1).
Genome position (GRCh38, 1-based): chr12:98,533,095, T>C. VCF-style: chr12-98533095-T-C. GRCh37 (hg19) VCF-style: chr12-98926873-T-C.
Other names: c.838T>C, p.Cys280Arg (NM_003276.2); c.565+1257T>C (NM_001307975.2, NM_001032284.3); short protein forms C280R.
Identifiers: ClinVar variation 940782 (VCV000940782.10), dbSNP rs1877309895, ClinGen allele CA386151920.